The following is an entry in ClinVar:

NM_001146.5(ANGPT1):c.562C>T (p.His188Tyr)

Gene: ANGPT1 (angiopoietin 1; minus strand). Cytogenetic location: 8q23.1.
Variant type: single nucleotide variant.
Coding change: c.562C>T on transcript NM_001146.5 (MANE Select); coding-DNA position 562, C replaced by T.
Protein change: p.His188Tyr; replaces histidine 188 with tyrosine.
Molecular consequence: missense variant. On other transcripts: 5 prime UTR variant (1).
Genome position (GRCh38, 1-based): chr8:107,336,163, G>A on the plus strand (C>T on the coding strand, the complement: ANGPT1 is on the minus strand). VCF-style: chr8-107336163-G-A. GRCh37 (hg19) VCF-style: chr8-108348391-G-A.
Other names: c.562C>T, p.His188Tyr (NM_001199859.3); c.-39C>T (NM_001314051.2); short protein forms H188Y.
Identifiers: ClinVar variation 4713041 (VCV004713041.1).

ClinVar aggregate classification (germline): Uncertain significance (1 of 4 stars; one submission).

gnomAD v4.1: 2 of 1,597,230 alleles (0.00013%); highest among the groups gnomAD compares: African/African-American, 0.0027%; no homozygotes.

Submission:

Labcorp Genetics (formerly Invitae), Labcorp
Classification: Uncertain significance. Last evaluated: 2025-03-18. Review status: criteria provided, single submitter. Criteria: Invitae Variant Classification Sherloc (09022015). Collection method: clinical testing. Allele origin: germline.
Comment: This sequence change replaces histidine, which is basic and polar, with tyrosine, which is neutral and polar, at codon 188 of the ANGPT1 protein (p.His188Tyr). This variant is present in population databases (no rsID available, gnomAD 0.01%). This variant has not been reported in the literature in individuals affected with ANGPT1-related conditions. An algorithm developed to predict the effect of missense changes on protein structure and function (PolyPhen-2) suggests that this variant is likely to be disruptive. In summary, the available evidence is currently insufficient to determine the role of this variant in disease. Therefore, it has been classified as a Variant of Uncertain Significance.